The following is an entry in ClinVar:

ClinVar aggregate classification (germline): Likely benign (1 of 4 stars; one submission).

Conditions:
Hereditary breast ovarian cancer syndrome. Also called: Hereditary breast and/or ovarian cancer syndrome; BRCA1- and BRCA2-Associated Hereditary Breast and Ovarian Cancer; Hereditary breast and ovarian cancer syndrome; Hereditary breast and ovarian cancer; Hereditary breast and ovarian cancer syndrome (HBOC); Breast and ovarian cancer. Identifiers: Orphanet 145, MedGen C0677776, MeSH D061325, MONDO:0003582. Disease mechanism: loss of function.

Submissions (2):

Labcorp Genetics (formerly Invitae), Labcorp
Classification: Likely benign for Hereditary breast ovarian cancer syndrome. Last evaluated: 2025-02-05. Review status: criteria provided, single submitter. Criteria: Invitae Variant Classification Sherloc (09022015). Collection method: clinical testing. Allele origin: germline.

Brotman Baty Institute, University of Washington
No classification provided (evidence only). Condition: Breast-ovarian cancer, familial 1. Review status: no classification provided. Collection method: in vitro. Allele origin: not applicable. Functional consequence: functionally_normal. Not counted in ClinVar's aggregate classification.
ClinVar note: "not provided" was previously submitted as the classification for the variant. However, the classification appeared to be based only on an observation of functional data so it was converted to no classification on 2025-07-30.

NM_007294.4(BRCA1):c.5278-18C>A

Gene: BRCA1 (BRCA1 DNA repair associated; minus strand). Cytogenetic location: 17q21.31.
Variant type: single nucleotide variant.
Coding change: c.5278-18C>A on transcript NM_007294.4 (MANE Select); 18 bases into the intron before coding-DNA position 5278, C replaced by A.
Molecular consequence: intron variant.
Genome position (GRCh38, 1-based): chr17:43,051,135, G>T on the plus strand (C>A on the coding strand, the complement: BRCA1 is on the minus strand). VCF-style: chr17-43051135-G-T. GRCh37 (hg19) VCF-style: chr17-41203152-G-T.
Other names: c.5341-18C>A (NM_001407583.1, NM_001407587.1, NM_001407585.1 and 1 more transcripts); c.5137-18C>A (NM_001407724.1, NM_001407697.1, NM_001407728.1 and 13 more transcripts); c.5131-18C>A (NM_001407838.1, NM_001407848.1, NM_001407839.1 and 12 more transcripts); c.1894-18C>A (NM_001408410.1); c.5134-18C>A (NM_001407741.1, NM_001407747.1, NM_001407745.1 and 21 more transcripts); c.1888-18C>A (NM_001408415.1, NM_001408412.1, NM_001408413.1 and 2 more transcripts); c.1756-18C>A (NM_001408483.1, NM_001408491.1, NM_001408481.1 and 5 more transcripts); c.5272-18C>A (NM_001407634.1, NM_001407632.1, NM_001407627.1 and 14 more transcripts); and 74 more.
Identifiers: ClinVar variation 867318 (VCV000867318.4), dbSNP rs1555575750, ClinGen allele CA916081091.